The following is an entry in ClinVar:

NM_173660.5(DOK7):c.100+288G>C

Gene: DOK7 (docking protein 7; plus strand). Cytogenetic location: 4p16.3.
Variant type: single nucleotide variant.
Coding change: c.100+288G>C on transcript NM_173660.5 (MANE Select); 288 bases into the intron after coding-DNA position 100, G replaced by C.
Molecular consequence: intron variant.
Genome position (GRCh38, 1-based): chr4:3,463,839, G>C. VCF-style: chr4-3463839-G-C. GRCh37 (hg19) VCF-style: chr4-3465566-G-C.
Other names: c.100+288G>C (NM_001301071.2, NM_001363811.2, NM_001164673.2).
Identifiers: ClinVar variation 671280 (VCV000671280.1), dbSNP rs7692245, ClinGen allele CA11770407.

ClinVar aggregate classification (germline): Benign (1 of 4 stars; one submission).

Allele frequency attached by ClinVar (database versions not stated): TOPMed 0.22567; gnomAD 0.23054 and 0.23297; 1000 Genomes Project 30x 0.26359; 1000 Genomes Project 0.27296.
gnomAD v4.1: 35,633 of 152,038 alleles (23%); highest among the groups gnomAD compares: East Asian, 48%; 4,525 homozygotes.

Submission:

GeneDx
Classification: Benign. Last evaluated: 2018-06-16. Review status: criteria provided, single submitter. Criteria: GeneDx Variant Classification (06012015). Collection method: clinical testing. Allele origin: germline. Affected: yes.
Comment: This variant is considered likely benign or benign based on one or more of the following criteria: it is a conservative change, it occurs at a poorly conserved position in the protein, it is predicted to be benign by multiple in silico algorithms, and/or has population frequency not consistent with disease.